The following is an entry in ClinVar:

ClinVar aggregate classification (germline): Uncertain significance (1 of 4 stars; one submission).

Conditions:
Early-infantile DEE. Also called: Early infantile epileptic encephalopathy with suppression bursts; Early infantile epileptic encephalopathy; Ohtahara syndrome. Identifiers: Orphanet 1934, MedGen C0393706, MONDO:0800491.

Allele frequency attached by ClinVar (database versions not stated): gnomAD exomes below 0.00001.
gnomAD v4.1: 1 of 1,612,710 alleles (0.000062%); highest among the groups gnomAD compares: Non-Finnish European, 0.000085%; no homozygotes.

Submission:

Labcorp Genetics (formerly Invitae), Labcorp
Classification: Uncertain significance for Early-infantile DEE. Last evaluated: 2022-02-12. Review status: criteria provided, single submitter. Criteria: Invitae Variant Classification Sherloc (09022015). Collection method: clinical testing. Allele origin: germline.
Comment: This variant has not been reported in the literature in individuals affected with SCN1A-related conditions. This variant is not present in population databases (gnomAD no frequency). This sequence change replaces methionine, which is neutral and non-polar, with threonine, which is neutral and polar, at codon 270 of the SCN1A protein (p.Met270Thr). Advanced modeling of protein sequence and biophysical properties (such as structural, functional, and spatial information, amino acid conservation, physicochemical variation, residue mobility, and thermodynamic stability) performed at Invitae indicates that this missense variant is expected to disrupt SCN1A protein function. In summary, the available evidence is currently insufficient to determine the role of this variant in disease. Therefore, it has been classified as a Variant of Uncertain Significance.

NM_001165963.4(SCN1A):c.809T>C (p.Met270Thr)

Gene: SCN1A (sodium voltage-gated channel alpha subunit 1; minus strand). Cytogenetic location: 2q24.3.
Variant type: single nucleotide variant.
Coding change: c.809T>C on transcript NM_001165963.4 (MANE Select); coding-DNA position 809, T replaced by C.
Protein change: p.Met270Thr; replaces methionine 270 with threonine.
Molecular consequence: missense variant. On other transcripts: 5 prime UTR variant (1), non-coding transcript variant (1).
Genome position (GRCh38, 1-based): chr2:166,051,874, A>G on the plus strand (T>C on the coding strand, the complement: SCN1A is on the minus strand). VCF-style: chr2-166051874-A-G. GRCh37 (hg19) VCF-style: chr2-166908384-A-G.
Other names: c.809T>C, p.Met270Thr (NM_001165964.3, NM_001202435.3, NM_001353948.2 and 10 more transcripts); c.-1617T>C (NM_001353961.2); short protein forms M270T.
Identifiers: ClinVar variation 1389500 (VCV001389500.7), dbSNP rs1444023925, ClinGen allele CA349073245.